The following is an entry in ClinVar:

ClinVar aggregate classification (germline): Uncertain significance (1 of 4 stars; one submission).

Conditions:
Bardet-Biedl syndrome 16 (BBS16). Identifiers: Orphanet 110, MedGen C3889474, MONDO:0014444, OMIM 615993.
Senior-Loken syndrome 7 (SLSN7). Identifiers: Orphanet 3156, MedGen C3150877, MONDO:0013326, OMIM 613615.

Submission:

Labcorp Genetics (formerly Invitae), Labcorp
Classification: Uncertain significance for Bardet-Biedl syndrome 16; Senior-Loken syndrome 7. Last evaluated: 2023-10-05. Review status: criteria provided, single submitter. Criteria: Invitae Variant Classification Sherloc (09022015). Collection method: clinical testing. Allele origin: unknown.
Comment: This variant is a gross deletion of the genomic region encompassing exon(s) 16-18 of the SDCCAG8 gene, which includes the termination codon. This deletion extends beyond the assayed region for this gene and therefore may encompass additional genes. While this deletion is not anticipated to lead to nonsense mediated decay, it is expected to alter mRNA translation or result in a truncated protein product. This variant has not been reported in the literature in individuals affected with SDCCAG8-related conditions. In summary, the available evidence is currently insufficient to determine the role of this variant in disease. Therefore, it has been classified as a Variant of Uncertain Significance.

NC_000001.10:g.(?_243589709)_(243736370_?)del

Genes: SDCCAG8 (SHH signaling and ciliogenesis regulator SDCCAG8; plus strand), AKT3 (AKT serine/threonine kinase 3; minus strand). Cytogenetic location: 1q43-44.
Variant type: Deletion.
Identifiers: ClinVar variation 3247838 (VCV003247838.1).